The following is an entry in ClinVar:

NM_152468.5(TMC8):c.1128-6C>T

Gene: TMC8 (transmembrane channel like 8; plus strand). Cytogenetic location: 17q25.3.
Variant type: single nucleotide variant.
Coding change: c.1128-6C>T on transcript NM_152468.5 (MANE Select); 6 bases into the intron before coding-DNA position 1128, C replaced by T.
Molecular consequence: intron variant.
Genome position (GRCh38, 1-based): chr17:78,137,229, C>T. VCF-style: chr17-78137229-C-T. GRCh37 (hg19) VCF-style: chr17-76133310-C-T.
Identifiers: ClinVar variation 572461 (VCV000572461.14), dbSNP rs1002758195, ClinGen allele CA294366509.
Genomic context (GRCh38, chr17:78,137,229, plus strand): 5'-TAGCCTGGGTAGAGCCCGGTGCCCATGTGCCTGGGCCCCTCCACCTGACAAGGTCCCTGC[C>T]CCCAGGTGCGTGGTGCTGAAGCTGGCCAGCTTGGGGATGTTCTCCGTCTCCCTGGGTCAG-3'

ClinVar aggregate classification (germline): Conflicting classifications of pathogenicity. Review status: criteria provided, conflicting classifications (1 of 4 stars). 3 submissions from 3 submitters: Uncertain significance (1); Likely benign (1). 1 of the submissions does not count toward it. Last evaluated 2024-05-11.

Conditions:
Epidermodysplasia verruciformis. Identifiers: Orphanet 302, MedGen C0014522, MONDO:0009176.
TMC8-related disorder. Also called: TMC8-related condition.
Epidermodysplasia verruciformis, susceptibility to, 2. Also called: Epidermodysplasia verruciformis 2. Identifiers: MedGen C4722258, MONDO:0032614, OMIM 618231.

Allele frequency attached by ClinVar (database versions not stated): gnomAD exomes below 0.00001 and 0.00001; gnomAD 0.00005 and 0.00006; TOPMed 0.00010.

Submissions (3):

Labcorp Genetics (formerly Invitae), Labcorp
Classification: Likely benign for Epidermodysplasia verruciformis. Last evaluated: 2024-05-11. Review status: criteria provided, single submitter. Criteria: Invitae Variant Classification Sherloc (09022015). Collection method: clinical testing. Allele origin: germline.

Fulgent Genetics
Classification: Uncertain significance for Epidermodysplasia verruciformis, susceptibility to, 2. Last evaluated: 2021-09-01. Review status: criteria provided, single submitter. Criteria: ACMG Guidelines, 2015. Collection method: clinical testing. Allele origin: unknown.

PreventionGenetics, part of Exact Sciences
Classification: Likely benign for TMC8-related condition. Last evaluated: 2019-08-26. Review status: no assertion criteria provided. Collection method: clinical testing. Allele origin: germline. Not counted in ClinVar's aggregate classification.
Comment: This variant is classified as likely benign based on ACMG/AMP sequence variant interpretation guidelines (Richards et al. 2015 PMID: 25741868, with internal and published modifications).